The following is an entry in ClinVar:

NM_000334.4(SCN4A):c.1576G>A (p.Gly526Arg)

Gene: SCN4A (sodium voltage-gated channel alpha subunit 4; minus strand). Cytogenetic location: 17q23.3.
Variant type: single nucleotide variant.
Coding change: c.1576G>A on transcript NM_000334.4 (MANE Select); coding-DNA position 1576, G replaced by A.
Protein change: p.Gly526Arg; replaces glycine 526 with arginine.
Molecular consequence: missense variant.
Genome position (GRCh38, 1-based): chr17:63,963,702, C>T on the plus strand (G>A on the coding strand, the complement: SCN4A is on the minus strand). VCF-style: chr17-63963702-C-T. GRCh37 (hg19) VCF-style: chr17-62041062-C-T.
Other names: short protein forms G526R.
Identifiers: ClinVar variation 477400 (VCV000477400.28), dbSNP rs181292216, ClinGen allele CA8709806.
Genomic context (GRCh38, chr17:63,963,702, plus strand): 5'-TAAGTGGGCACGGGGGCACAAGGCACTCACCTTCCATGGCGTCGGAGATGCCGCTGTCTC[C>T]GCTGCTGCTCTGCCTCGGGGCTCCCTTCTCCCCTTGCGATGTGTCCAGGCTGCCATTGCA-3'
Protein context (NP_000325.4, residues 516-536): EKGAPRQSSS[Gly526Arg]DSGISDAMEE

ClinVar aggregate classification (germline): Conflicting classifications of pathogenicity. Review status: criteria provided, conflicting classifications (1 of 4 stars). 5 submissions from 5 submitters: Uncertain significance (2); Likely benign (3). Last evaluated 2026-01-20.

Conditions:
SCN4A-related disorder. Also called: SCN4A-related disorders.
Inborn genetic diseases. Identifiers: MedGen C0950123, MeSH D030342.
Hyperkalemic periodic paralysis. Also called: Familial hyperkalemic periodic paralysis; Gamstorp disease. Identifiers: Orphanet 682, MedGen C0238357, MONDO:0008224, OMIM 170500, HP:0007215.

Allele frequency attached by ClinVar (database versions not stated): TOPMed 0.00060; 1000 Genomes Project 30x 0.00062; gnomAD 0.00064 and 0.00069; gnomAD exomes 0.00015; ExAC 0.00017; ESP Exome Variant Server 0.00055; 1000 Genomes Project 0.00060.
gnomAD v4.1: 215 of 1,596,128 alleles (0.013%); highest among the groups gnomAD compares: African/African-American, 0.23%; no homozygotes.

Submissions (5):

Labcorp Genetics (formerly Invitae), Labcorp
Classification: Likely benign for Hyperkalemic periodic paralysis. Last evaluated: 2026-01-20. Review status: criteria provided, single submitter. Criteria: Invitae Variant Classification Sherloc (09022015). Collection method: clinical testing. Allele origin: germline.

GeneDx
Classification: Uncertain significance. Last evaluated: 2025-07-01. Review status: criteria provided, single submitter. Criteria: GeneDx Variant Classification Process June 2021. Collection method: clinical testing. Allele origin: germline. Affected: yes.
Comment: Has not been previously published as pathogenic or benign to our knowledge; In silico analysis suggests that this missense variant does not alter protein structure/function

PreventionGenetics, part of Exact Sciences
Classification: Likely benign for SCN4A-related condition. Last evaluated: 2025-03-10. Review status: criteria provided, single submitter. Criteria: ACMG Guidelines, 2015. Collection method: clinical testing. Allele origin: germline.
Comment: This variant is classified as likely benign based on ACMG/AMP sequence variant interpretation guidelines (Richards et al. 2015 PMID: 25741868, with internal and published modifications).

Ambry Genetics
Classification: Uncertain significance for Inborn genetic diseases. Last evaluated: 2024-04-06. Review status: criteria provided, single submitter. Criteria: Ambry Variant Classification Scheme 2023. Collection method: clinical testing. Allele origin: germline.

Revvity Omics, Revvity
Classification: Likely benign. Last evaluated: 2023-04-14. Review status: criteria provided, single submitter. Criteria: ACMG Guidelines, 2015. Collection method: clinical testing. Allele origin: germline.